The following is an entry in ClinVar:

NM_000059.4(BRCA2):c.4165T>A (p.Phe1389Ile)

Gene: BRCA2 (BRCA2 DNA repair associated; plus strand). Cytogenetic location: 13q13.1.
Variant type: single nucleotide variant.
Coding change: c.4165T>A on transcript NM_000059.4 (MANE Select); coding-DNA position 4165, T replaced by A.
Protein change: p.Phe1389Ile; replaces phenylalanine 1389 with isoleucine.
Molecular consequence: missense variant.
Genome position (GRCh38, 1-based): chr13:32,338,520, T>A. VCF-style: chr13-32338520-T-A. GRCh37 (hg19) VCF-style: chr13-32912657-T-A.
Other names: short protein forms F1389I.
Identifiers: ClinVar variation 1497514 (VCV001497514.9), dbSNP rs1409088355, ClinGen allele CA387780057.

ClinVar aggregate classification (germline): Conflicting classifications of pathogenicity. Review status: criteria provided, conflicting classifications (1 of 4 stars). 2 submissions from 2 submitters: Uncertain significance (1); Likely benign (1). Last evaluated 2023-03-23.

Conditions:
Hereditary cancer-predisposing syndrome. Also called: Tumor predisposition; Hereditary neoplastic syndrome; Neoplastic Syndromes, Hereditary; Hereditary Cancer Syndrome. Identifiers: Orphanet 140162, MedGen C0027672, MeSH D009386, MONDO:0015356.
Hereditary breast ovarian cancer syndrome. Also called: BRCA1- and BRCA2-Associated Hereditary Breast and Ovarian Cancer; Hereditary breast and ovarian cancer; Hereditary breast and/or ovarian cancer syndrome; Hereditary breast and ovarian cancer syndrome; Hereditary breast and ovarian cancer syndrome (HBOC); Breast and ovarian cancer. Identifiers: Orphanet 145, MedGen C0677776, MeSH D061325, MONDO:0003582. Disease mechanism: loss of function.

Submissions (2):

University of Washington Department of Laboratory Medicine, University of Washington
Classification: Likely benign for Hereditary cancer-predisposing syndrome. Last evaluated: 2023-03-23. Review status: criteria provided, single submitter. Criteria: Dines et al. (Genet Med. 2020). Collection method: curation. Allele origin: germline.
Comment: Missense variant in a coldspot region where missense variants are very unlikely to be pathogenic (PMID:31911673).

BRCA2 exon 11 coldspot. Reclassification based on statistical prior probability.

Labcorp Genetics (formerly Invitae), Labcorp
Classification: Uncertain significance for Hereditary breast ovarian cancer syndrome. Last evaluated: 2020-10-21. Review status: criteria provided, single submitter. Criteria: Invitae Variant Classification Sherloc (09022015). Collection method: clinical testing. Allele origin: germline.
Comment: In summary, the available evidence is currently insufficient to determine the role of this variant in disease. Therefore, it has been classified as a Variant of Uncertain Significance. Advanced modeling of protein sequence and biophysical properties (such as structural, functional, and spatial information, amino acid conservation, physicochemical variation, residue mobility, and thermodynamic stability) performed at Invitae indicates that this missense variant is not expected to disrupt BRCA2 protein function. This variant has not been reported in the literature in individuals with BRCA2-related conditions. This variant is not present in population databases (ExAC no frequency). This sequence change replaces phenylalanine with isoleucine at codon 1389 of the BRCA2 protein (p.Phe1389Ile). The phenylalanine residue is weakly conserved and there is a small physicochemical difference between phenylalanine and isoleucine.